The following is an entry in ClinVar:

ClinVar aggregate classification (germline): Conflicting classifications of pathogenicity. Review status: criteria provided, conflicting classifications (1 of 4 stars). 2 submissions from 2 submitters: Uncertain significance (1); Likely benign (1). Last evaluated 2025-12-11.

Conditions:
Cardiovascular phenotype. Identifiers: MedGen CN230736.
Noonan syndrome 9 (NS9). Identifiers: Orphanet 648, MedGen C4225282, MONDO:0014691, OMIM 616559.

Allele frequency attached by ClinVar (database versions not stated): gnomAD 0.00003 and 0.00004; TOPMed 0.00003; ExAC 0.00006; gnomAD exomes 0.00005 and 0.00022.
gnomAD v4.1: 318 of 1,613,776 alleles (0.02%); highest among the groups gnomAD compares: Non-Finnish European, 0.026%; 1 homozygote.

Submissions (2):

Labcorp Genetics (formerly Invitae), Labcorp
Classification: Likely benign for Noonan syndrome 9. Last evaluated: 2025-12-11. Review status: criteria provided, single submitter. Criteria: Invitae Variant Classification Sherloc (09022015). Collection method: clinical testing. Allele origin: germline.

Ambry Genetics
Classification: Uncertain significance for Cardiovascular phenotype. Last evaluated: 2024-11-14. Review status: criteria provided, single submitter. Criteria: Ambry Variant Classification Scheme 2023. Collection method: clinical testing. Allele origin: germline.
Comment: The p.S271G variant (also known as c.811A>G), located in coding exon 6 of the SOS2 gene, results from an A to G substitution at nucleotide position 811. The serine at codon 271 is replaced by glycine, an amino acid with similar properties. This amino acid position is well conserved in available vertebrate species. In addition, this alteration is predicted to be tolerated by in silico analysis. Based on the available evidence, the clinical significance of this variant remains unclear.

NM_006939.4(SOS2):c.811A>G (p.Ser271Gly)

Gene: SOS2 (SOS Ras/Rho guanine nucleotide exchange factor 2; minus strand). Cytogenetic location: 14q21.3.
Variant type: single nucleotide variant.
Coding change: c.811A>G on transcript NM_006939.4 (MANE Select); coding-DNA position 811, A replaced by G.
Protein change: p.Ser271Gly; replaces serine 271 with glycine.
Molecular consequence: missense variant.
Genome position (GRCh38, 1-based): chr14:50,182,510, T>C on the plus strand (A>G on the coding strand, the complement: SOS2 is on the minus strand). VCF-style: chr14-50182510-T-C. GRCh37 (hg19) VCF-style: chr14-50649228-T-C.
Other names: short protein forms S271G.
Identifiers: ClinVar variation 842576 (VCV000842576.8), dbSNP rs775494170, ClinGen allele CA7177450.